The following is an entry in ClinVar:

ClinVar aggregate classification (germline): Uncertain significance (1 of 4 stars; one submission).

Allele frequency attached by ClinVar (database versions not stated): gnomAD exomes below 0.00001.
gnomAD v4.1: 1 of 1,614,222 alleles (0.000062%); highest among the groups gnomAD compares: Non-Finnish European, 0.000085%; no homozygotes.

Submission:

Labcorp Genetics (formerly Invitae), Labcorp
Classification: Uncertain significance. Last evaluated: 2023-09-04. Review status: criteria provided, single submitter. Criteria: Invitae Variant Classification Sherloc (09022015). Collection method: clinical testing. Allele origin: germline.
Comment: Variants that disrupt the consensus splice site are a relatively common cause of aberrant splicing (PMID: 17576681, 9536098). Algorithms developed to predict the effect of sequence changes on RNA splicing suggest that this variant is not likely to affect RNA splicing. This sequence change falls in intron 50 of the LAMA1 gene. It does not directly change the encoded amino acid sequence of the LAMA1 protein. It affects a nucleotide within the consensus splice site. This variant is not present in population databases (gnomAD no frequency). This variant has not been reported in the literature in individuals affected with LAMA1-related conditions. In summary, the available evidence is currently insufficient to determine the role of this variant in disease. Therefore, it has been classified as a Variant of Uncertain Significance.

Literature cited by the submitters: PubMed 17576681; PubMed 9536098.

NM_005559.4(LAMA1):c.7195+3A>G

Gene: LAMA1 (laminin subunit alpha 1; minus strand). Cytogenetic location: 18p11.31.
Variant type: single nucleotide variant.
Coding change: c.7195+3A>G on transcript NM_005559.4 (MANE Select); 3 bases into the intron after coding-DNA position 7195, A replaced by G.
Molecular consequence: intron variant.
Genome position (GRCh38, 1-based): chr18:6,965,285, T>C on the plus strand (A>G on the coding strand, the complement: LAMA1 is on the minus strand). VCF-style: chr18-6965285-T-C. GRCh37 (hg19) VCF-style: chr18-6965284-T-C.
Identifiers: ClinVar variation 2789161 (VCV002789161.3), dbSNP rs2057627649, ClinGen allele CA2282671281.